The following is an entry in ClinVar:

NM_001278512.2(AP3B2):c.821A>C (p.Glu274Ala)

Genes: AP3B2 (adaptor related protein complex 3 subunit beta 2; minus strand), CPEB1-AS1 (CPEB1 antisense RNA 1; plus strand). Cytogenetic location: 15q25.2.
Variant type: single nucleotide variant.
Coding change: c.821A>C on transcript NM_001278512.2 (MANE Select); coding-DNA position 821, A replaced by C.
Protein change: p.Glu274Ala; replaces glutamic acid 274 with alanine.
Molecular consequence: missense variant.
Genome position (GRCh38, 1-based): chr15:82,680,706, T>G on the plus strand (A>C on the coding strand, the complement: AP3B2 is on the minus strand). VCF-style: chr15-82680706-T-G. GRCh37 (hg19) VCF-style: chr15-83349458-T-G.
Other names: c.725A>C, p.Glu242Ala (NM_001278511.2); c.821A>C, p.Glu274Ala (NM_004644.5); c.821A>C (NM_004644.3); short protein forms E242A, E274A.
Identifiers: ClinVar variation 1450340 (VCV001450340.11), dbSNP rs766432930, ClinGen allele CA7700389.

ClinVar aggregate classification (germline): Uncertain significance. Review status: criteria provided, multiple submitters, no conflicts (2 of 4 stars). 3 submissions from 3 submitters: Uncertain significance (3). Last evaluated 2024-07-10.

Conditions:
Inborn genetic diseases. Identifiers: MedGen C0950123, MeSH D030342.

Allele frequency attached by ClinVar (database versions not stated): ExAC 0.00002; gnomAD exomes 0.00002 and 0.00003; gnomAD 0.00004; TOPMed 0.00006.
gnomAD v4.1: 37 of 1,563,584 alleles (0.0024%); highest among the groups gnomAD compares: South Asian, 0.029%; no homozygotes.

Submissions (3):

Blueprint Genetics
Classification: Uncertain significance. Last evaluated: 2024-07-10. Review status: criteria provided, single submitter. Criteria: ACMG Guidelines, 2015. Collection method: clinical testing. Allele origin: germline.

Labcorp Genetics (formerly Invitae), Labcorp
Classification: Uncertain significance. Last evaluated: 2022-06-22. Review status: criteria provided, single submitter. Criteria: Invitae Variant Classification Sherloc (09022015). Collection method: clinical testing. Allele origin: germline.
Comment: Algorithms developed to predict the effect of missense changes on protein structure and function are either unavailable or do not agree on the potential impact of this missense change (SIFT: "Tolerated"; PolyPhen-2: "Possibly Damaging"; Align-GVGD: "Class C0"). This sequence change replaces glutamic acid, which is acidic and polar, with alanine, which is neutral and non-polar, at codon 274 of the AP3B2 protein (p.Glu274Ala). This variant is present in population databases (rs766432930, gnomAD 0.03%). This variant has not been reported in the literature in individuals affected with AP3B2-related conditions. In summary, the available evidence is currently insufficient to determine the role of this variant in disease. Therefore, it has been classified as a Variant of Uncertain Significance.

Ambry Genetics
Classification: Uncertain significance for Inborn genetic diseases. Last evaluated: 2021-07-21. Review status: criteria provided, single submitter. Criteria: Ambry Variant Classification Scheme 2023. Collection method: clinical testing. Allele origin: germline.